The following is an entry in ClinVar:

NM_004863.4(SPTLC2):c.1051G>T (p.Ala351Ser)

Gene: SPTLC2 (serine palmitoyltransferase long chain base subunit 2; minus strand). Cytogenetic location: 14q24.3.
Variant type: single nucleotide variant.
Coding change: c.1051G>T on transcript NM_004863.4 (MANE Select); coding-DNA position 1051, G replaced by T.
Protein change: p.Ala351Ser; replaces alanine 351 with serine.
Molecular consequence: missense variant.
Genome position (GRCh38, 1-based): chr14:77,555,425, C>A on the plus strand (G>T on the coding strand, the complement: SPTLC2 is on the minus strand). VCF-style: chr14-77555425-C-A. GRCh37 (hg19) VCF-style: chr14-78021768-C-A.
Other names: short protein forms A351S.
Identifiers: ClinVar variation 1011602 (VCV001011602.8), dbSNP rs773212643, ClinGen allele CA7289289.
Genomic context (GRCh38, chr14:77,555,425, plus strand): 5'-CCACATCCTCGGGATCCAGGCCAAAGTACTCCACCACACCCCGGCCTGTGGGGCCCAGGG[C>A]GCCAATGCTGTGAGCCTCATCCAGATACAAGTATGCCTTGTATTTCTTCTTGAGGGCAAT-3'
Protein context (NP_004854.1, residues 341-361): LYLDEAHSIG[Ala351Ser]LGPTGRGVVE

ClinVar aggregate classification (germline): Uncertain significance (1 of 4 stars; one submission).

Conditions:
Neuropathy, hereditary sensory and autonomic, type 1C. Also called: HSAN IC; HSN IC. Identifiers: Orphanet 36386, MedGen C3150896, MONDO:0013337, OMIM 613640.

Allele frequency attached by ClinVar (database versions not stated): ExAC 0.00001; TOPMed 0.00001.

Submission:

Labcorp Genetics (formerly Invitae), Labcorp
Classification: Uncertain significance for Neuropathy, hereditary sensory and autonomic, type 1C. Last evaluated: 2020-09-03. Review status: criteria provided, single submitter. Criteria: Invitae Variant Classification Sherloc (09022015). Collection method: clinical testing. Allele origin: germline.
Comment: In summary, the available evidence is currently insufficient to determine the role of this variant in disease. Therefore, it has been classified as a Variant of Uncertain Significance. Algorithms developed to predict the effect of missense changes on protein structure and function are either unavailable or do not agree on the potential impact of this missense change (SIFT: "Tolerated"; PolyPhen-2: "Possibly Damaging"; Align-GVGD: "Class C0"). This variant has been observed in one or more individuals who were not affected with hereditary sensory and autonomic neuropathy (Invitae). This variant is present in population databases (rs773212643, ExAC 0.01%). This sequence change replaces alanine with serine at codon 351 of the SPTLC2 protein (p.Ala351Ser). The alanine residue is highly conserved and there is a moderate physicochemical difference between alanine and serine.